The following is an entry in ClinVar:

NM_000282.4(PCCA):c.1541-37TGAT[3]

Gene: PCCA (propionyl-CoA carboxylase subunit alpha; plus strand). Cytogenetic location: 13q32.3.
Variant type: Microsatellite.
Coding change: c.1541-37TGAT[3] on transcript NM_000282.4 (MANE Select); three copies in a row of the 4-base unit TGAT starting at c.1541-37.
Molecular consequence: intron variant.
Genome position: GRCh38 VCF-style: chr13-100340119-ATGAT-A. GRCh37 (hg19) VCF-style: chr13-100992373-ATGAT-A.
Other names: c.1541-37TGAT[3] (NM_001178004.2, NM_001352605.2, NM_001352609.2); c.1397-37TGAT[3] (NM_001352606.2); c.596-37TGAT[3] (NM_001352610.2, NM_001352611.2); c.452-37TGAT[3] (NM_001352612.2); c.1463-37TGAT[3] (NM_001127692.3, NM_001352607.2); c.1319-37TGAT[3] (NM_001352608.2); c.1541-23_1541-20delATTG (NM_000282.3).
Identifiers: ClinVar variation 422602 (VCV000422602.1), dbSNP rs748498827, ClinGen allele CA7033707.

ClinVar aggregate classification (germline): Likely benign (1 of 4 stars; one submission).

Submission:

GeneDx
Classification: Likely benign. Last evaluated: 2016-11-15. Review status: criteria provided, single submitter. Criteria: GeneDx Variant Classification (06012015). Collection method: clinical testing. Allele origin: germline. Affected: yes.
Comment: This variant is considered likely benign or benign based on one or more of the following criteria: it is a conservative change, it occurs at a poorly conserved position in the protein, it is predicted to be benign by multiple in silico algorithms, and/or has population frequency not consistent with disease.